The following is an entry in ClinVar:

ClinVar aggregate classification (germline): Uncertain significance (1 of 4 stars; one submission).

Submission:

Labcorp Genetics (formerly Invitae), Labcorp
Classification: Uncertain significance. Last evaluated: 2024-01-07. Review status: criteria provided, single submitter. Criteria: Invitae Variant Classification Sherloc (09022015). Collection method: clinical testing. Allele origin: germline.
Comment: This sequence change replaces alanine, which is neutral and non-polar, with glycine, which is neutral and non-polar, at codon 624 of the MYH14 protein (p.Ala624Gly). This variant is not present in population databases (gnomAD no frequency). This variant has not been reported in the literature in individuals affected with MYH14-related conditions. Advanced modeling of protein sequence and biophysical properties (such as structural, functional, and spatial information, amino acid conservation, physicochemical variation, residue mobility, and thermodynamic stability) performed at Invitae indicates that this missense variant is not expected to disrupt MYH14 protein function with a negative predictive value of 80%. In summary, the available evidence is currently insufficient to determine the role of this variant in disease. Therefore, it has been classified as a Variant of Uncertain Significance.

NM_001145809.2(MYH14):c.1895C>G (p.Ala632Gly)

Gene: MYH14 (myosin heavy chain 14; plus strand). Cytogenetic location: 19q13.33.
Variant type: single nucleotide variant.
Coding change: c.1895C>G on transcript NM_001145809.2 (MANE Select); coding-DNA position 1895, C replaced by G.
Protein change: p.Ala632Gly; replaces alanine 632 with glycine.
Molecular consequence: missense variant.
Genome position (GRCh38, 1-based): chr19:50,252,703, C>G. VCF-style: chr19-50252703-C-G. GRCh37 (hg19) VCF-style: chr19-50755960-C-G.
Other names: c.1895C>G, p.Ala632Gly (NM_001077186.2); c.1871C>G, p.Ala624Gly (NM_024729.4); short protein forms A632G, A624G.
Identifiers: ClinVar variation 2708041 (VCV002708041.3), dbSNP rs1461824527, ClinGen allele CA406961459.
Genomic context (GRCh38, chr19:50,252,703, plus strand): 5'-ACTACAAGGCCAACGAGTGGCTGATGAAAAACATGGACCCTCTGAATGACAACGTCGCAG[C>G]CTTGCTCCACCAGAGCACAGACCGGCTGACGGCAGAGATCTGGAAAGACGGTGAGGACCC-3'
Protein context (NP_001139281.1, residues 622-642): NMDPLNDNVA[Ala632Gly]LLHQSTDRLT